The following is an entry in ClinVar:

NM_001453.3(FOXC1):c.103G>A (p.Gly35Ser)

Gene: FOXC1 (forkhead box C1; plus strand). Cytogenetic location: 6p25.3.
Variant type: single nucleotide variant.
Coding change: c.103G>A on transcript NM_001453.3 (MANE Select); coding-DNA position 103, G replaced by A.
Protein change: p.Gly35Ser; replaces glycine 35 with serine.
Molecular consequence: missense variant.
Genome position (GRCh38, 1-based): chr6:1,610,548, G>A. VCF-style: chr6-1610548-G-A. GRCh37 (hg19) VCF-style: chr6-1610783-G-A.
Other names: short protein forms G35S.
Identifiers: ClinVar variation 1420784 (VCV001420784.8), dbSNP rs888646491, ClinGen allele CA133389128.

ClinVar aggregate classification (germline): Uncertain significance (1 of 4 stars; one submission).

Conditions:
Axenfeld-Rieger syndrome type 3 (RIEG3). Also called: AXENFELD-RIEGER ANOMALY WITH CARDIAC DEFECTS AND/OR SENSORINEURAL HEARING LOSS. Identifiers: Orphanet 782, MedGen C2678503, MONDO:0011233, OMIM 602482.

Allele frequency attached by ClinVar (database versions not stated): TOPMed below 0.00001.
gnomAD v4.1: 16 of 1,553,434 alleles (0.001%); highest among the groups gnomAD compares: Middle Eastern, 0.022%; no homozygotes.

Submission:

Labcorp Genetics (formerly Invitae), Labcorp
Classification: Uncertain significance for Axenfeld-Rieger syndrome type 3. Last evaluated: 2024-01-22. Review status: criteria provided, single submitter. Criteria: Invitae Variant Classification Sherloc (09022015). Collection method: clinical testing. Allele origin: germline.
Comment: This sequence change replaces glycine, which is neutral and non-polar, with serine, which is neutral and polar, at codon 35 of the FOXC1 protein (p.Gly35Ser). This variant is not present in population databases (gnomAD no frequency). This variant has not been reported in the literature in individuals affected with FOXC1-related conditions. ClinVar contains an entry for this variant (Variation ID: 1420784). An algorithm developed to predict the effect of missense changes on protein structure and function (PolyPhen-2) suggests that this variant is likely to be tolerated. In summary, the available evidence is currently insufficient to determine the role of this variant in disease. Therefore, it has been classified as a Variant of Uncertain Significance.